The following is an entry in ClinVar:

NM_001267550.2(TTN):c.49371A>T (p.Leu16457=)

Genes: TTN (titin; minus strand), TTN-AS1 (TTN antisense RNA 1; plus strand). Cytogenetic location: 2q31.2.
Variant type: single nucleotide variant.
Coding change: c.49371A>T on transcript NM_001267550.2 (MANE Select); coding-DNA position 49371, A replaced by T.
Protein change: p.Leu16457=; no amino-acid change (leucine 16457 retained).
Molecular consequence: synonymous variant.
Genome position (GRCh38, 1-based): chr2:178,613,912, T>A on the plus strand (A>T on the coding strand, the complement: TTN is on the minus strand). VCF-style: chr2-178613912-T-A. GRCh37 (hg19) VCF-style: chr2-179478639-T-A.
Other names: p.L14816L:CTA>CTT; p.Leu14816=; c.44448A>T, p.Leu14816= (NM_001256850.1); c.22176A>T, p.Leu7392= (NM_003319.4); c.41667A>T, p.Leu13889= (NM_133378.4); c.22551A>T, p.Leu7517= (NM_133432.3); c.22752A>T, p.Leu7584= (NM_133437.4).
Identifiers: ClinVar variation 47028 (VCV000047028.50), dbSNP rs146163169, ClinGen allele CA283333.

ClinVar aggregate classification (germline): Benign/Likely benign. Review status: criteria provided, multiple submitters, no conflicts (2 of 4 stars). 26 submissions from 19 submitters: Benign (17); Likely benign (4). 5 of the submissions do not count toward it. Last evaluated 2026-02-03.

Conditions:
Dilated cardiomyopathy 1G (CMD1G). Identifiers: Orphanet 154, MedGen C1858763, MONDO:0011400, OMIM 604145.
Autosomal recessive limb-girdle muscular dystrophy type 2J (LGMDR10). Also called: MUSCULAR DYSTROPHY, LIMB-GIRDLE, AUTOSOMAL RECESSIVE 10; Limb-girdle muscular dystrophy, type 2J. Identifiers: Orphanet 140922, MedGen C1837342, MONDO:0012127, OMIM 608807.
Cardiovascular phenotype. Identifiers: MedGen CN230736.
Cardiomyopathy (CMYO). Also called: Cardiomyopathies. Identifiers: Orphanet 167848, MedGen C0878544, MONDO:0004994, HP:0001638. Inheritance: Various modes of inheritance.
Myopathy, myofibrillar, 9, with early respiratory failure (MFM9). Also called: Myopathy, distal, with early respiratory failure, autosomal dominant; Hereditary myopathy with early respiratory failure; MYOPATHY, PROXIMAL, WITH EARLY RESPIRATORY MUSCLE INVOLVEMENT; EDSTROM MYOPATHY. Identifiers: Orphanet 178464, Orphanet 34521, MedGen C1863599, MONDO:0011362, OMIM 603689.
Early-onset myopathy with fatal cardiomyopathy (CMYO5). Also called: CONGENITAL MYOPATHY 5 WITH CARDIOMYOPATHY; Salih Myopathy. Identifiers: Orphanet 289377, MedGen C2673677, MONDO:0012714, OMIM 611705. Disease mechanism: loss of function.
Tibial muscular dystrophy (TMD). Also called: Udd Distal Myopathy – Tibial Muscular Dystrophy; Tibial muscular dystrophy, tardive; UDD MYOPATHY. Identifiers: Orphanet 609, MedGen C1838244, MONDO:0010870, OMIM 600334.

Allele frequency attached by ClinVar (database versions not stated): ESP Exome Variant Server 0.00147; gnomAD exomes 0.00372 and 0.00220; TOPMed 0.00105; 1000 Genomes Project 0.00599; gnomAD 0.00110 and 0.00182; 1000 Genomes Project 30x 0.00593; ExAC 0.00432.
gnomAD v4.1: 3,523 of 1,608,822 alleles (0.22%); highest among the groups gnomAD compares: South Asian, 2.1%; 53 homozygotes.

Submissions (26):

Labcorp Genetics (formerly Invitae), Labcorp
Classification: Benign for Dilated cardiomyopathy 1G; Autosomal recessive limb-girdle muscular dystrophy type 2J. Last evaluated: 2026-02-03. Review status: criteria provided, single submitter. Criteria: Invitae Variant Classification Sherloc (09022015). Collection method: clinical testing. Allele origin: germline.

Mayo Clinic Laboratories, Mayo Clinic
Classification: Benign. Last evaluated: 2025-09-17. Review status: criteria provided, single submitter. Criteria: ACMG Guidelines, 2015. Collection method: clinical testing. Allele origin: germline. Observed: 9 variant alleles.
Comment: BS1, BS2, BP4, BP7

ARUP Laboratories, Molecular Genetics and Genomics, ARUP Laboratories
Classification: Benign. Last evaluated: 2025-06-23. Review status: criteria provided, single submitter. Criteria: ARUP Molecular Germline Variant Investigation Process 2024. Collection method: clinical testing. Allele origin: germline.

Molecular Diagnostic Laboratory for Inherited Cardiovascular Disease, Montreal Heart Institute
Classification: Benign. Last evaluated: 2025-04-09. Review status: criteria provided, single submitter. Criteria: ACMG Guidelines, 2015. Collection method: clinical testing. Allele origin: germline. Affected: no.

Athena Diagnostics
Classification: Benign. Last evaluated: 2025-01-21. Review status: criteria provided, single submitter. Criteria: Athena Diagnostics Criteria. Collection method: clinical testing. Allele origin: unknown.
Comment: The frequency of this variant in the general population is higher than would generally be expected for pathogenic variants in this gene.

CHEO Genetics Diagnostic Laboratory, Children's Hospital of Eastern Ontario
Classification: Benign for Cardiomyopathy. Last evaluated: 2022-11-18. Review status: criteria provided, single submitter. Criteria: ACMG Guidelines, 2015. Collection method: clinical testing. Allele origin: germline.

Genome-Nilou Lab
Classification: Benign for Autosomal recessive limb-girdle muscular dystrophy type 2J. Last evaluated: 2021-09-10. Review status: criteria provided, single submitter. Criteria: ACMG Guidelines, 2015. Collection method: clinical testing. Allele origin: germline. Affected: no.

Genome-Nilou Lab
Classification: Benign for Myopathy, myofibrillar, 9, with early respiratory failure. Last evaluated: 2021-09-10. Review status: criteria provided, single submitter. Criteria: ACMG Guidelines, 2015. Collection method: clinical testing. Allele origin: germline. Affected: no.

Genome-Nilou Lab
Classification: Benign for Early-onset myopathy with fatal cardiomyopathy. Last evaluated: 2021-09-10. Review status: criteria provided, single submitter. Criteria: ACMG Guidelines, 2015. Collection method: clinical testing. Allele origin: germline. Affected: no.

Genome-Nilou Lab
Classification: Benign for Tibial muscular dystrophy. Last evaluated: 2021-09-10. Review status: criteria provided, single submitter. Criteria: ACMG Guidelines, 2015. Collection method: clinical testing. Allele origin: germline. Affected: no.

Women's Health and Genetics/Laboratory Corporation of America, LabCorp
Classification: Benign. Last evaluated: 2020-01-06. Review status: criteria provided, single submitter. Criteria: LabCorp Variant Classification Summary - May 2015. Collection method: clinical testing. Allele origin: germline.

Illumina Laboratory Services, Illumina
Classification: Likely benign for Autosomal recessive limb-girdle muscular dystrophy type 2J. Last evaluated: 2018-01-13. Review status: criteria provided, single submitter. Criteria: ICSL Variant Classification Criteria 13 December 2019. Collection method: clinical testing. Allele origin: germline.
Comment: This variant was observed in the ICSL laboratory as part of a predisposition screen in an ostensibly healthy population. It had not been previously curated by ICSL or reported in the Human Gene Mutation Database (HGMD: prior to June 1st, 2018), and was therefore a candidate for classification through an automated scoring system. Utilizing variant allele frequency, disease prevalence and penetrance estimates, and inheritance mode, an automated score was calculated to assess if this variant is too frequent to cause the disease. Based on the score and internal cut-off values, a variant classified as likely benign is not then subjected to further curation. The score for this variant resulted in a classification of likely benign for this disease.

Illumina Laboratory Services, Illumina
Classification: Likely benign for Dilated cardiomyopathy 1G. Last evaluated: 2018-01-13. Review status: criteria provided, single submitter. Criteria: ICSL Variant Classification Criteria 13 December 2019. Collection method: clinical testing. Allele origin: germline.
Comment: the same text as in the submission from Illumina Laboratory Services, Illumina above.

Illumina Laboratory Services, Illumina
Classification: Likely benign for Early-onset myopathy with fatal cardiomyopathy. Last evaluated: 2018-01-13. Review status: criteria provided, single submitter. Criteria: ICSL Variant Classification Criteria 13 December 2019. Collection method: clinical testing. Allele origin: germline.
Comment: the same text as in the submission from Illumina Laboratory Services, Illumina above.

Illumina Laboratory Services, Illumina
Classification: Benign for Tibial muscular dystrophy. Last evaluated: 2018-01-13. Review status: criteria provided, single submitter. Criteria: ICSL Variant Classification Criteria 13 December 2019. Collection method: clinical testing. Allele origin: germline.
Comment: This variant was observed in the ICSL laboratory as part of a predisposition screen in an ostensibly healthy population. It had not been previously curated by ICSL or reported in the Human Gene Mutation Database (HGMD: prior to June 1st, 2018), and was therefore a candidate for classification through an automated scoring system. Utilizing variant allele frequency, disease prevalence and penetrance estimates, and inheritance mode, an automated score was calculated to assess if this variant is too frequent to cause the disease. Based on the score and internal cut-off values, a variant classified as benign is not then subjected to further curation. The score for this variant resulted in a classification of benign for this disease.

Illumina Laboratory Services, Illumina
Classification: Benign for Myopathy, myofibrillar, 9, with early respiratory failure. Last evaluated: 2018-01-13. Review status: criteria provided, single submitter. Criteria: ICSL Variant Classification Criteria 13 December 2019. Collection method: clinical testing. Allele origin: germline.
Comment: the same text as in the submission from Illumina Laboratory Services, Illumina above.

Ambry Genetics
Classification: Benign for Cardiovascular phenotype. Last evaluated: 2016-01-06. Review status: criteria provided, single submitter. Criteria: Ambry Variant Classification Scheme 2023. Collection method: clinical testing. Allele origin: germline.

Eurofins Ntd Llc (ga)
Classification: Benign. Last evaluated: 2015-09-01. Review status: criteria provided, single submitter. Criteria: EGL Classification Definitions 2015. Collection method: clinical testing. Allele origin: germline. Observed: 1 variant allele, 1 heterozygote.

Laboratory for Molecular Medicine, Mass General Brigham Personalized Medicine
Classification: Benign. Last evaluated: 2015-04-28. Review status: criteria provided, single submitter. Criteria: LMM Criteria. Collection method: clinical testing. Allele origin: germline. Observed: 14 variant alleles.
Comment: p.Leu13889Leu in exon 212 of TTN: This variant is not expected to have clinical significance because it has been identified in 2.4% (382/15888) of South Asian c hromosomes, including 8 homozygotes, by the Exome Aggregation Consortium (ExAC; dbSNP rs146163169).

GeneDx
Classification: Benign. Last evaluated: 2012-12-19. Review status: criteria provided, single submitter. Criteria: GeneDx Variant Classification (06012015). Collection method: clinical testing. Allele origin: germline. Affected: yes.
Comment: This variant is considered likely benign or benign based on one or more of the following criteria: it is a conservative change, it occurs at a poorly conserved position in the protein, it is predicted to be benign by multiple in silico algorithms, and/or has population frequency not consistent with disease.

Breakthrough Genomics
Classification: Likely benign. Review status: criteria provided, single submitter. Criteria: ACMG Guidelines, 2015. Collection method: not provided. Allele origin: germline. Inheritance: Autosomal recessive inheritance. Affected: yes.

Clinical Genetics DNA and cytogenetics Diagnostics Lab, Erasmus MC, Erasmus Medical Center
Classification: Likely benign. Review status: no assertion criteria provided. Collection method: clinical testing. Allele origin: germline. Affected: yes. Study: VKGL Data-share Consensus. Not counted in ClinVar's aggregate classification.

Clinical Genetics, Academic Medical Center
Classification: Benign. Review status: no assertion criteria provided. Collection method: clinical testing. Allele origin: germline. Affected: yes. Study: VKGL Data-share Consensus. Not counted in ClinVar's aggregate classification.

Diagnostic Laboratory, Department of Genetics, University Medical Center Groningen
Classification: Likely benign. Review status: no assertion criteria provided. Collection method: clinical testing. Allele origin: germline. Affected: yes. Study: VKGL Data-share Consensus. Not counted in ClinVar's aggregate classification.

Joint Genome Diagnostic Labs from Nijmegen and Maastricht, Radboudumc and MUMC+
Classification: Benign. Review status: no assertion criteria provided. Collection method: clinical testing. Allele origin: germline. Affected: yes. Study: VKGL Data-share Consensus. Not counted in ClinVar's aggregate classification.

Laboratory of Diagnostic Genome Analysis, Leiden University Medical Center (LUMC)
Classification: Likely benign. Review status: no assertion criteria provided. Collection method: clinical testing. Allele origin: germline. Affected: yes. Study: VKGL Data-share Consensus. Not counted in ClinVar's aggregate classification.